The following is an entry in ClinVar:

ClinVar aggregate classification (germline): Uncertain significance. Review status: criteria provided, multiple submitters, no conflicts (2 of 4 stars). 2 submissions from 2 submitters: Uncertain significance (2). Last evaluated 2022-01-11.

Conditions:
Pulmonary hypertension, primary, 4. Identifiers: Orphanet 422, MedGen C3809198, MONDO:0014136, OMIM 615344.

Allele frequency attached by ClinVar (database versions not stated): ExAC below 0.00001; gnomAD exomes 0.00001.
gnomAD v4.1: 10 of 1,604,412 alleles (0.00062%); highest among the groups gnomAD compares: Admixed American, 0.0017%; no homozygotes.

Submissions (2):

Labcorp Genetics (formerly Invitae), Labcorp
Classification: Uncertain significance for Pulmonary hypertension, primary, 4. Last evaluated: 2022-01-11. Review status: criteria provided, single submitter. Criteria: Invitae Variant Classification Sherloc (09022015). Collection method: clinical testing. Allele origin: germline.
Comment: In summary, the available evidence is currently insufficient to determine the role of this variant in disease. Therefore, it has been classified as a Variant of Uncertain Significance. Algorithms developed to predict the effect of missense changes on protein structure and function (SIFT, PolyPhen-2, Align-GVGD) all suggest that this variant is likely to be disruptive. ClinVar contains an entry for this variant (Variation ID: 618695). This variant has not been reported in the literature in individuals affected with KCNK3-related conditions. This variant is present in population databases (rs780914900, gnomAD 0.003%). This sequence change replaces arginine, which is basic and polar, with cysteine, which is neutral and slightly polar, at codon 318 of the KCNK3 protein (p.Arg318Cys).

ARUP Laboratories, Molecular Genetics and Genomics, ARUP Laboratories
Classification: Uncertain significance. Last evaluated: 2018-02-07. Review status: criteria provided, single submitter. Criteria: ARUP Molecular Germline Variant Investigation Process. Collection method: clinical testing. Allele origin: germline.
Comment: The KCNK3 c.952C>T; p.Arg318Cys variant (rs780914900), to our knowledge, is not reported in the medical literature, gene specific variation databases, nor has it been previously identified by our laboratory. This variant is listed in the genome Aggregation Database (gnomAD) with an overall population frequency of 0.001% (identified on 3 out of 219,956 chromosomes). The arginine at position 318 is highly conserved, considering 15 species, and computational analyses of the effects of the p.Arg318Cys variant on protein structure and function predict a deleterious effect (SIFT: damaging, PolyPhen-2: possibly damaging). Based on the available information, the clinical significance of the p.Arg318Cys variant cannot be determined with certainty.

NM_002246.3(KCNK3):c.952C>T (p.Arg318Cys)

Gene: KCNK3 (potassium two pore domain channel subfamily K member 3; plus strand). Cytogenetic location: 2p23.3.
Variant type: single nucleotide variant.
Coding change: c.952C>T on transcript NM_002246.3 (MANE Select); coding-DNA position 952, C replaced by T.
Protein change: p.Arg318Cys; replaces arginine 318 with cysteine.
Molecular consequence: missense variant.
Genome position (GRCh38, 1-based): chr2:26,728,335, C>T. VCF-style: chr2-26728335-C-T. GRCh37 (hg19) VCF-style: chr2-26951203-C-T.
Other names: short protein forms R318C.
Identifiers: ClinVar variation 618695 (VCV000618695.17), dbSNP rs780914900, ClinGen allele CA1565575.
Genomic context (GRCh38, chr2:26,728,335, plus strand): 5'-AACGTCTACGCGGAGGTGCTGCACTTCCAGTCCATGTGCTCGTGCCTGTGGTACAAGAGC[C>T]GCGAGAAGCTGCAGTACTCCATCCCCATGATCATCCCGCGGGACCTCTCCACGTCCGACA-3'
Protein context (NP_002237.1, residues 308-328): SMCSCLWYKS[Arg318Cys]EKLQYSIPMI